The following is an entry in ClinVar:

ClinVar aggregate classification (germline): Uncertain significance (1 of 4 stars; one submission).

Submission:

Labcorp Genetics (formerly Invitae), Labcorp
Classification: Uncertain significance. Last evaluated: 2024-09-03. Review status: criteria provided, single submitter. Criteria: Invitae Variant Classification Sherloc (09022015). Collection method: clinical testing. Allele origin: germline.
Comment: This sequence change replaces phenylalanine, which is neutral and non-polar, with serine, which is neutral and polar, at codon 160 of the P4HB protein (p.Phe160Ser). This variant is not present in population databases (gnomAD no frequency). This variant has not been reported in the literature in individuals affected with P4HB-related conditions. Invitae Evidence Modeling of protein sequence and biophysical properties (such as structural, functional, and spatial information, amino acid conservation, physicochemical variation, residue mobility, and thermodynamic stability) has been performed for this missense variant. However, the output from this modeling did not meet the statistical confidence thresholds required to predict the impact of this variant on P4HB protein function. In summary, the available evidence is currently insufficient to determine the role of this variant in disease. Therefore, it has been classified as a Variant of Uncertain Significance.

NM_000918.4(P4HB):c.479T>C (p.Phe160Ser)

Gene: P4HB (prolyl 4-hydroxylase subunit beta; minus strand). Cytogenetic location: 17q25.3.
Variant type: single nucleotide variant.
Coding change: c.479T>C on transcript NM_000918.4 (MANE Select); coding-DNA position 479, T replaced by C.
Protein change: p.Phe160Ser; replaces phenylalanine 160 with serine.
Molecular consequence: missense variant.
Genome position (GRCh38, 1-based): chr17:81,855,460, A>G on the plus strand (T>C on the coding strand, the complement: P4HB is on the minus strand). VCF-style: chr17-81855460-A-G. GRCh37 (hg19) VCF-style: chr17-79813336-A-G.
Other names: short protein forms F160S.
Identifiers: ClinVar variation 3664397 (VCV003664397.2).